The following is an entry in ClinVar:

ClinVar aggregate classification (germline): Pathogenic/Likely pathogenic. Review status: criteria provided, multiple submitters, no conflicts (2 of 4 stars). 3 submissions from 3 submitters: Pathogenic (2); Likely pathogenic (1). Last evaluated 2024-11-15.

Conditions:
Arrhythmogenic right ventricular dysplasia 9 (ARVD9). Also called: Arrhythmogenic Right Ventricular Dysplasia/Cardiomyopathy 9; ARRHYTHMOGENIC RIGHT VENTRICULAR DYSPLASIA, FAMILIAL, 9. Identifiers: MedGen C1836906, MONDO:0012180, OMIM 609040.
Cardiovascular phenotype. Identifiers: MedGen CN230736.

Allele frequency attached by ClinVar (database versions not stated): TOPMed below 0.00001.

Submissions (3):

GeneDx
Classification: Likely pathogenic. Last evaluated: 2024-11-15. Review status: criteria provided, single submitter. Criteria: GeneDx Variant Classification Process June 2021. Collection method: clinical testing. Allele origin: germline. Affected: yes.
Comment: Nonsense variant predicted to result in protein truncation or nonsense mediated decay in a gene for which loss of function is a known mechanism of disease; Not observed at significant frequency in large population cohorts (gnomAD); Reported in association with ARVC in published literature (PMID: 27532257, 31402444); This variant is associated with the following publications: (PMID: 31402444, 27532257)

Ambry Genetics
Classification: Pathogenic for Cardiovascular phenotype. Last evaluated: 2024-02-07. Review status: criteria provided, single submitter. Criteria: Ambry Variant Classification Scheme 2023. Collection method: clinical testing. Allele origin: germline.
Comment: The p.Y831* pathogenic mutation (also known as c.2493T>A), located in coding exon 13 of the PKP2 gene, results from a T to A substitution at nucleotide position 2493. This changes the amino acid from a tyrosine to a stop codon within coding exon 13. This alteration has been reported in association with arrhythmogenic right ventricular cardiomyopathy (ARVC) (Walsh R et al. Genet Med, 2017 Feb;19:192-203; Ye JZ et al. Clin Genet, 2019 Dec;96:506-514). This variant is considered to be rare based on population cohorts in the Genome Aggregation Database (gnomAD). In addition to the clinical data presented in the literature, this alteration is expected to result in loss of function by premature protein truncation or nonsense-mediated mRNA decay. As such, this alteration is interpreted as a disease-causing mutation.

Labcorp Genetics (formerly Invitae), Labcorp
Classification: Pathogenic for Arrhythmogenic right ventricular dysplasia 9. Last evaluated: 2023-08-20. Review status: criteria provided, single submitter. Criteria: Invitae Variant Classification Sherloc (09022015). Collection method: clinical testing. Allele origin: germline.
Comment: For these reasons, this variant has been classified as Pathogenic. This premature translational stop signal has been observed in individual(s) with arrhythmogenic right ventricular cardiomyopathy (PMID: 27532257). This variant is not present in population databases (gnomAD no frequency). This sequence change creates a premature translational stop signal (p.Tyr831*) in the PKP2 gene. It is expected to result in an absent or disrupted protein product. Loss-of-function variants in PKP2 are known to be pathogenic (PMID: 15489853, 23911551).

Literature cited by the submitters: PubMed 27532257 (cited by Ambry Genetics and Labcorp Genetics (formerly Invitae), Labcorp); PubMed 31402444 (cited by Ambry Genetics); PubMed 15489853 (cited by Labcorp Genetics (formerly Invitae), Labcorp); PubMed 23911551 (cited by Labcorp Genetics (formerly Invitae), Labcorp).

NM_001005242.3(PKP2):c.2361T>A (p.Tyr787Ter)

Gene: PKP2 (plakophilin 2; minus strand). Cytogenetic location: 12p11.21.
Variant type: single nucleotide variant.
Coding change: c.2361T>A on transcript NM_001005242.3 (MANE Select); coding-DNA position 2361, T replaced by A.
Protein change: p.Tyr787Ter; replaces tyrosine 787 with a stop codon.
Molecular consequence: nonsense. On other transcripts: missense variant (2).
Genome position (GRCh38, 1-based): chr12:32,792,728, A>T on the plus strand (T>A on the coding strand, the complement: PKP2 is on the minus strand). VCF-style: chr12-32792728-A-T. GRCh37 (hg19) VCF-style: chr12-32945662-A-T.
Other names: c.2171T>A, p.Met724Lys (NM_001407155.1); c.2196T>A, p.Tyr732Ter (NM_001407156.1); c.2034T>A, p.Tyr678Ter (NM_001407158.1, NM_001407159.1); c.1844T>A, p.Met615Lys (NM_001407160.1); c.2493T>A, p.Tyr831Ter (NM_004572.4); short protein forms M615K, M724K, Y831*, Y678*, Y732*, Y787*.
Identifiers: ClinVar variation 2735817 (VCV002735817.5), dbSNP rs1956082308, ClinGen allele CA384357038.